The following is an entry in ClinVar:

NM_000274.4(OAT):c.511G>A (p.Val171Ile)

Gene: OAT (ornithine aminotransferase; minus strand). Cytogenetic location: 10q26.13.
Variant type: single nucleotide variant.
Coding change: c.511G>A on transcript NM_000274.4 (MANE Select); coding-DNA position 511, G replaced by A.
Protein change: p.Val171Ile; replaces valine 171 with isoleucine.
Molecular consequence: missense variant. On other transcripts: 5 prime UTR variant (1), intron variant (1).
Genome position (GRCh38, 1-based): chr10:124,408,551, C>T on the plus strand (G>A on the coding strand, the complement: OAT is on the minus strand). VCF-style: chr10-124408551-C-T. GRCh37 (hg19) VCF-style: chr10-126097120-C-T.
Other names: c.97G>A, p.Val33Ile (NM_001171814.2); c.511G>A, p.Val171Ile (NM_001322965.2, NM_001322966.2, NM_001322967.2 and 3 more transcripts); c.-204G>A (NM_001322974.2); c.200-2988G>A (NM_001322971.2); short protein forms V171I, V33I.
Identifiers: ClinVar variation 1007933 (VCV001007933.7), dbSNP rs1951664964, ClinGen allele CA378636897.

ClinVar aggregate classification (germline): Uncertain significance (1 of 4 stars; one submission).

Conditions:
Ornithine aminotransferase deficiency (GACR). Also called: HYPERORNITHINEMIA WITH GYRATE ATROPHY OF CHOROID AND RETINA; OAT DEFICIENCY; OKT DEFICIENCY; Ornithine ketoacid aminotransferase deficiency; Gyrate atrophy; Gyrate atrophy of choroid and retina. Identifiers: Orphanet 414, MedGen C0018425, MONDO:0009796, OMIM 258870.

Submission:

Labcorp Genetics (formerly Invitae), Labcorp
Classification: Uncertain significance for Ornithine aminotransferase deficiency. Last evaluated: 2025-05-12. Review status: criteria provided, single submitter. Criteria: Invitae Variant Classification Sherloc (09022015). Collection method: clinical testing. Allele origin: germline.
Comment: This sequence change replaces valine, which is neutral and non-polar, with isoleucine, which is neutral and non-polar, at codon 171 of the OAT protein (p.Val171Ile). This variant is not present in population databases (gnomAD no frequency). This variant has not been reported in the literature in individuals affected with OAT-related conditions. ClinVar contains an entry for this variant (Variation ID: 1007933). Invitae Evidence Modeling of protein sequence and biophysical properties (such as structural, functional, and spatial information, amino acid conservation, physicochemical variation, residue mobility, and thermodynamic stability) indicates that this missense variant is not expected to disrupt OAT protein function with a negative predictive value of 80%. In summary, the available evidence is currently insufficient to determine the role of this variant in disease. Therefore, it has been classified as a Variant of Uncertain Significance.